The following is an entry in ClinVar:

ClinVar aggregate classification (germline): Uncertain significance. Review status: criteria provided, multiple submitters, no conflicts (2 of 4 stars). 2 submissions from 2 submitters: Uncertain significance (2). Last evaluated 2024-02-15.

Conditions:
Hereditary cancer-predisposing syndrome. Also called: Hereditary neoplastic syndrome; Neoplastic Syndromes, Hereditary; Tumor predisposition; Hereditary Cancer Syndrome. Identifiers: Orphanet 140162, MedGen C0027672, MeSH D009386, MONDO:0015356.
Retinoblastoma (RB1). Also called: RETINOBLASTOMA, SOMATIC. Identifiers: Orphanet 790, MedGen C0035335, MeSH D012175, MONDO:0008380, OMIM 180200, HP:0009919. Disease mechanism: loss of function. Inheritance: Both sporadic and heritable forms are tested..

Allele frequency attached by ClinVar (database versions not stated): gnomAD exomes below 0.00001; ExAC 0.00001; gnomAD 0.00003; TOPMed 0.00003.
gnomAD v4.1: 5 of 1,613,100 alleles (0.00031%); highest among the groups gnomAD compares: African/African-American, 0.0053%; no homozygotes.

Submissions (2):

Ambry Genetics
Classification: Uncertain significance for Hereditary cancer-predisposing syndrome. Last evaluated: 2024-02-15. Review status: criteria provided, single submitter. Criteria: Ambry Variant Classification Scheme 2023. Collection method: clinical testing. Allele origin: germline.
Comment: The p.P582R variant (also known as c.1745C>G), located in coding exon 18 of the RB1 gene, results from a C to G substitution at nucleotide position 1745. The proline at codon 582 is replaced by arginine, an amino acid with dissimilar properties. This amino acid position is well conserved in available vertebrate species. In addition, the in silico prediction for this alteration is inconclusive. Based on the available evidence, the clinical significance of this alteration remains unclear.

Labcorp Genetics (formerly Invitae), Labcorp
Classification: Uncertain significance for Retinoblastoma. Last evaluated: 2023-02-15. Review status: criteria provided, single submitter. Criteria: Invitae Variant Classification Sherloc (09022015). Collection method: clinical testing. Allele origin: germline.
Comment: This sequence change replaces proline, which is neutral and non-polar, with arginine, which is basic and polar, at codon 582 of the RB1 protein (p.Pro582Arg). This variant is present in population databases (rs757198343, gnomAD 0.007%). This variant has not been reported in the literature in individuals affected with RB1-related conditions. ClinVar contains an entry for this variant (Variation ID: 1002901). Advanced modeling of protein sequence and biophysical properties (such as structural, functional, and spatial information, amino acid conservation, physicochemical variation, residue mobility, and thermodynamic stability) performed at Invitae indicates that this missense variant is not expected to disrupt RB1 protein function. In summary, the available evidence is currently insufficient to determine the role of this variant in disease. Therefore, it has been classified as a Variant of Uncertain Significance.

NM_000321.3(RB1):c.1745C>G (p.Pro582Arg)

Gene: RB1 (RB transcriptional corepressor 1; plus strand). Cytogenetic location: 13q14.2.
Variant type: single nucleotide variant.
Coding change: c.1745C>G on transcript NM_000321.3 (MANE Select); coding-DNA position 1745, C replaced by G.
Protein change: p.Pro582Arg; replaces proline 582 with arginine.
Molecular consequence: missense variant.
Genome position (GRCh38, 1-based): chr13:48,453,042, C>G. VCF-style: chr13-48453042-C-G. GRCh37 (hg19) VCF-style: chr13-49027178-C-G.
Other names: c.1745C>G (NM_000321.2); short protein forms P582R.
Identifiers: ClinVar variation 1002901 (VCV001002901.9), dbSNP rs757198343, ClinGen allele CA032429.